The following is an entry in ClinVar:

NM_182961.4(SYNE1):c.3914G>T (p.Gly1305Val)

Gene: SYNE1 (spectrin repeat containing nuclear envelope protein 1; minus strand). Cytogenetic location: 6q25.2.
Variant type: single nucleotide variant.
Coding change: c.3914G>T on transcript NM_182961.4 (MANE Select); coding-DNA position 3914, G replaced by T.
Protein change: p.Gly1305Val; replaces glycine 1305 with valine.
Molecular consequence: missense variant.
Genome position (GRCh38, 1-based): chr6:152,442,169, C>A on the plus strand (G>T on the coding strand, the complement: SYNE1 is on the minus strand). VCF-style: chr6-152442169-C-A. GRCh37 (hg19) VCF-style: chr6-152763304-C-A.
Other names: c.3935G>T, p.Gly1312Val (NM_033071.5); short protein forms G1312V, G1305V.
Identifiers: ClinVar variation 2049898 (VCV002049898.1), dbSNP rs1292244700, ClinGen allele CA366146831.

ClinVar aggregate classification (germline): Uncertain significance (1 of 4 stars; one submission).

Conditions:
Emery-Dreifuss muscular dystrophy 4, autosomal dominant (EDMD4). Also called: EMERY-DREIFUSS MUSCULAR DYSTROPHY 4 WITH VARIABLE FEATURES. Identifiers: Orphanet 261, MedGen C2751807, MONDO:0013071, OMIM 612998.
Autosomal recessive ataxia, Beauce type. Also called: SYNE1 Deficiency; Spinocerebellar ataxia, autosomal recessive 8; ATAXIA, RECESSIVE, OF BEAUCE; SYNE1-Related Autosomal Recessive Cerebellar Ataxia. Identifiers: Orphanet 88644, MedGen C1853116, MONDO:0012549, OMIM 610743.

Allele frequency attached by ClinVar (database versions not stated): gnomAD exomes below 0.00001; TOPMed below 0.00001.
gnomAD v4.1: 3 of 1,613,810 alleles (0.00019%); highest among the groups gnomAD compares: Admixed American, 0.0017%; no homozygotes.

Submission:

Labcorp Genetics (formerly Invitae), Labcorp
Classification: Uncertain significance for Emery-Dreifuss muscular dystrophy 4, autosomal dominant; Autosomal recessive ataxia, Beauce type. Last evaluated: 2022-09-07. Review status: criteria provided, single submitter. Criteria: Invitae Variant Classification Sherloc (09022015). Collection method: clinical testing. Allele origin: germline.
Comment: This sequence change replaces glycine, which is neutral and non-polar, with valine, which is neutral and non-polar, at codon 1312 of the SYNE1 protein (p.Gly1312Val). This variant is present in population databases (no rsID available, gnomAD 0.006%). This variant has not been reported in the literature in individuals affected with SYNE1-related conditions. Algorithms developed to predict the effect of missense changes on protein structure and function are either unavailable or do not agree on the potential impact of this missense change (SIFT: "Deleterious"; PolyPhen-2: "Benign"; Align-GVGD: "Class C0"). In summary, the available evidence is currently insufficient to determine the role of this variant in disease. Therefore, it has been classified as a Variant of Uncertain Significance.